The following is an entry in ClinVar:

NM_020987.5(ANK3):c.5077A>C (p.Lys1693Gln)

Gene: ANK3 (ankyrin 3; minus strand). Cytogenetic location: 10q21.2.
Variant type: single nucleotide variant.
Coding change: c.5077A>C on transcript NM_020987.5 (MANE Select); coding-DNA position 5077, A replaced by C.
Protein change: p.Lys1693Gln; replaces lysine 1693 with glutamine.
Molecular consequence: missense variant. On other transcripts: intron variant (4).
Genome position (GRCh38, 1-based): chr10:60,075,804, T>G on the plus strand (A>C on the coding strand, the complement: ANK3 is on the minus strand). VCF-style: chr10-60075804-T-G. GRCh37 (hg19) VCF-style: chr10-61835562-T-G.
Other names: c.4387+4733A>C (NM_001204403.2); c.4408+4733A>C (NM_001204404.2); c.4405+4733A>C (NM_001320874.2); c.1807+4733A>C (NM_001149.4); short protein forms K1693Q.
Identifiers: ClinVar variation 3067717 (VCV003067717.21), dbSNP rs2492575140, ClinGen allele CA377016285.

ClinVar aggregate classification (germline): Uncertain significance (1 of 4 stars; one submission).

Submission:

CeGaT Center for Human Genetics Tuebingen
Classification: Uncertain significance. Last evaluated: 2024-03-01. Review status: criteria provided, single submitter. Criteria: CeGaT Center For Human Genetics Tuebingen Variant Classification Criteria Version 2. Collection method: clinical testing. Allele origin: germline. Affected: yes. Observed: 1 variant allele.
Comment: ANK3: PM2, BP4